The following is an entry in ClinVar:

NM_000540.3(RYR1):c.11600G>T (p.Arg3867Leu)

Gene: RYR1 (ryanodine receptor 1; plus strand). Cytogenetic location: 19q13.2.
Variant type: single nucleotide variant.
Coding change: c.11600G>T on transcript NM_000540.3 (MANE Select); coding-DNA position 11600, G replaced by T.
Protein change: p.Arg3867Leu; replaces arginine 3867 with leucine.
Molecular consequence: missense variant.
Genome position (GRCh38, 1-based): chr19:38,536,759, G>T. VCF-style: chr19-38536759-G-T. GRCh37 (hg19) VCF-style: chr19-39027399-G-T.
Other names: c.11585G>T, p.Arg3862Leu (NM_001042723.2); short protein forms R3862L, R3867L.
Identifiers: ClinVar variation 4756602 (VCV004756602.1).

ClinVar aggregate classification (germline): Uncertain significance (1 of 4 stars; one submission).

Conditions:
Malignant hyperthermia, susceptibility to, 1 (MHS1). Also called: RYR1-Related Malignant Hyperthermia Susceptibility; Malignant hyperthermia suceptibility 1; Anesthesia related hyperthermia; Malignant hyperpyrexia; Fulminating hyperpyrexia; Pharmacogenic myopathy. Identifiers: Orphanet 423, MedGen C2930980, MONDO:0007783, OMIM 145600.

gnomAD v4.1: 1 of 1,613,394 alleles (0.000062%); highest among the groups gnomAD compares: East Asian, 0.0022%; no homozygotes.

Submission:

Color Diagnostics, LLC DBA Color Health
Classification: Uncertain significance for Malignant hyperthermia, susceptibility to, 1. Last evaluated: 2025-09-29. Review status: criteria provided, single submitter. Criteria: ACMG Guidelines, 2015. Collection method: clinical testing. Allele origin: germline.
Comment: This missense variant replaces arginine with leucine at codon 3867 of the RYR1 protein. Computational prediction suggests that this variant may not impact protein structure and function. To our knowledge, functional studies have not been reported for this variant. This variant has not been reported in individuals affected with RYR1-related disorders in the literature. This variant has been identified in 1/1461796 chromosomes in the general population by the Genome Aggregation Database (gnomAD). The available evidence is insufficient to determine the role of this variant in disease conclusively. Therefore, this variant is classified as a Variant of Uncertain Significance.